The following is an entry in ClinVar:

NM_006947.4(SRP72):c.1039C>G (p.Gln347Glu)

Gene: SRP72 (signal recognition particle 72; plus strand). Cytogenetic location: 4q12.
Variant type: single nucleotide variant.
Coding change: c.1039C>G on transcript NM_006947.4 (MANE Select); coding-DNA position 1039, C replaced by G.
Protein change: p.Gln347Glu; replaces glutamine 347 with glutamic acid.
Molecular consequence: missense variant. On other transcripts: non-coding transcript variant (1).
Genome position (GRCh38, 1-based): chr4:56,484,817, C>G. VCF-style: chr4-56484817-C-G. GRCh37 (hg19) VCF-style: chr4-57350983-C-G.
Other names: c.856C>G, p.Gln286Glu (NM_001267722.2); short protein forms Q347E, Q286E.
Identifiers: ClinVar variation 3801483 (VCV003801483.1).
Genomic context (GRCh38, chr4:56,484,817, plus strand): 5'-TCTGCCAGTTTACAGTCCCAAAGTCCCGAGCATCTCTTACCTGTGTTAATCCAAGCTGCC[C>G]AGCTCTGCCGTGAAAAGCAGCACACAAAAGCAATAGAGCTGCTTCAGGTAAAATAATTAC-3'
Protein context (NP_008878.3, residues 337-357): HLLPVLIQAA[Gln347Glu]LCREKQHTKA

ClinVar aggregate classification (germline): Uncertain significance (1 of 4 stars; one submission).

gnomAD v4.1: 4 of 1,613,974 alleles (0.00025%); highest among the groups gnomAD compares: African/African-American, 0.0053%; no homozygotes.

Submission:

Ambry Genetics
Classification: Uncertain significance. Last evaluated: 2025-02-09. Review status: criteria provided, single submitter. Criteria: Ambry Variant Classification Scheme 2023. Collection method: clinical testing. Allele origin: germline.
Comment: The p.Q347E variant (also known as c.1039C>G), located in coding exon 10 of the SRP72 gene, results from a C to G substitution at nucleotide position 1039. The glutamine at codon 347 is replaced by glutamic acid, an amino acid with highly similar properties. This amino acid position is conserved. In addition, the in silico prediction for this alteration is inconclusive. Based on the available evidence, the clinical significance of this variant remains unclear.